The following is an entry in ClinVar:

ClinVar aggregate classification (germline): Uncertain significance (1 of 4 stars; one submission).

Submission:

GeneDx
Classification: Uncertain significance. Last evaluated: 2025-04-17. Review status: criteria provided, single submitter. Criteria: GeneDx Variant Classification Process June 2021. Collection method: clinical testing. Allele origin: germline. Affected: yes.
Comment: Not observed at significant frequency in large population cohorts (gnomAD); In silico analysis indicates that this missense variant does not alter protein structure/function; Has not been previously published as pathogenic or benign to our knowledge

NM_005097.4(LGI1):c.569A>G (p.His190Arg)

Gene: LGI1 (leucine rich glioma inactivated 1; plus strand). Cytogenetic location: 10q23.33.
Variant type: single nucleotide variant.
Coding change: c.569A>G on transcript NM_005097.4 (MANE Select); coding-DNA position 569, A replaced by G.
Protein change: p.His190Arg; replaces histidine 190 with arginine.
Molecular consequence: missense variant. On other transcripts: non-coding transcript variant (1).
Genome position (GRCh38, 1-based): chr10:93,792,808, A>G. VCF-style: chr10-93792808-A-G. GRCh37 (hg19) VCF-style: chr10-95552565-A-G.
Other names: c.569A>G, p.His190Arg (NM_001308275.2); c.425A>G, p.His142Arg (NM_001308276.2); short protein forms H142R, H190R.
Identifiers: ClinVar variation 4282378 (VCV004282378.1).